The following is an entry in ClinVar:

NM_021815.5(SLC5A7):c.1721G>T (p.Gly574Val)

Gene: SLC5A7 (solute carrier family 5 member 7; plus strand). Cytogenetic location: 2q12.3.
Variant type: single nucleotide variant.
Coding change: c.1721G>T on transcript NM_021815.5 (MANE Select); coding-DNA position 1721, G replaced by T.
Protein change: p.Gly574Val; replaces glycine 574 with valine.
Molecular consequence: missense variant.
Genome position (GRCh38, 1-based): chr2:108,010,839, G>T. VCF-style: chr2-108010839-G-T. GRCh37 (hg19) VCF-style: chr2-108627295-G-T.
Other names: c.1721G>T, p.Gly574Val (NM_001305005.3); c.1406G>T, p.Gly469Val (NM_001305006.3); c.980G>T, p.Gly327Val (NM_001305007.3); short protein forms G469V, G574V, G327V.
Identifiers: ClinVar variation 1357294 (VCV001357294.8), dbSNP rs1222691698, ClinGen allele CA348115206.

ClinVar aggregate classification (germline): Uncertain significance (1 of 4 stars; one submission).

Conditions:
Congenital myasthenic syndrome 20. Also called: Myasthenic syndrome, congenital, 20, presynaptic. Identifiers: MedGen C4310694, MONDO:0014939, OMIM 617143.
Neuronopathy, distal hereditary motor, type 7A. Also called: Neuronopathy, distal hereditary motor, type viia; NEURONOPATHY, DISTAL HEREDITARY MOTOR, HARDING TYPE VIIA; NEUROPATHY, DISTAL HEREDITARY MOTOR, HARDING TYPE VIIA; Neuronopathy, distal hereditary motor, autosomal dominant 7; HARPER-YOUNG MYOPATHY; HMN VIIA. Identifiers: Orphanet 139589, MedGen C1834703, MONDO:0008024, OMIM 158580.

Submission:

Labcorp Genetics (formerly Invitae), Labcorp
Classification: Uncertain significance for Neuronopathy, distal hereditary motor, type 7A; Congenital myasthenic syndrome 20. Last evaluated: 2022-02-24. Review status: criteria provided, single submitter. Criteria: Invitae Variant Classification Sherloc (09022015). Collection method: clinical testing. Allele origin: germline.
Comment: In summary, the available evidence is currently insufficient to determine the role of this variant in disease. Therefore, it has been classified as a Variant of Uncertain Significance. Algorithms developed to predict the effect of missense changes on protein structure and function (SIFT, PolyPhen-2, Align-GVGD) all suggest that this variant is likely to be tolerated. This variant has not been reported in the literature in individuals affected with SLC5A7-related conditions. This variant is not present in population databases (gnomAD no frequency). This sequence change replaces glycine, which is neutral and non-polar, with valine, which is neutral and non-polar, at codon 574 of the SLC5A7 protein (p.Gly574Val).